The following is an entry in ClinVar:

NM_015141.4(GPD1L):c.137C>G (p.Thr46Arg)

Gene: GPD1L (glycerol-3-phosphate dehydrogenase 1 like; plus strand). Cytogenetic location: 3p22.3.
Variant type: single nucleotide variant.
Coding change: c.137C>G on transcript NM_015141.4 (MANE Select); coding-DNA position 137, C replaced by G.
Protein change: p.Thr46Arg; replaces threonine 46 with arginine.
Molecular consequence: missense variant.
Genome position (GRCh38, 1-based): chr3:32,128,165, C>G. VCF-style: chr3-32128165-C-G. GRCh37 (hg19) VCF-style: chr3-32169657-C-G.
Other names: short protein forms T46R.
Identifiers: ClinVar variation 1878912 (VCV001878912.2), dbSNP rs780357018, ClinGen allele CA351972873.

ClinVar aggregate classification (germline): Uncertain significance. Review status: criteria provided, multiple submitters, no conflicts (2 of 4 stars). 2 submissions from 2 submitters: Uncertain significance (2). Last evaluated 2025-10-26.

Conditions:
Brugada syndrome. Also called: Sudden Unexplained Death Syndrome; Sudden Unexplained Nocturnal Death Syndrome (SUNDS); Sudden unexpected nocturnal death syndrome; Sudden unexplained nocturnal death syndrome. Identifiers: Orphanet 130, MedGen C1142166, MONDO:0015263.

Submissions (2):

Labcorp Genetics (formerly Invitae), Labcorp
Classification: Uncertain significance for Brugada syndrome. Last evaluated: 2025-10-26. Review status: criteria provided, single submitter. Criteria: Invitae Variant Classification Sherloc (09022015). Collection method: clinical testing. Allele origin: germline.
Comment: This sequence change replaces threonine, which is neutral and polar, with arginine, which is basic and polar, at codon 46 of the GPD1L protein (p.Thr46Arg). This variant is not present in population databases (gnomAD no frequency). This variant has not been reported in the literature in individuals affected with GPD1L-related conditions. ClinVar contains an entry for this variant (Variation ID: 1878912). Invitae Evidence Modeling of protein sequence and biophysical properties (such as structural, functional, and spatial information, amino acid conservation, physicochemical variation, residue mobility, and thermodynamic stability) indicates that this missense variant is not expected to disrupt GPD1L protein function with a negative predictive value of 80%. In summary, the available evidence is currently insufficient to determine the role of this variant in disease. Therefore, it has been classified as a Variant of Uncertain Significance.

GeneDx
Classification: Uncertain significance. Last evaluated: 2022-07-15. Review status: criteria provided, single submitter. Criteria: GeneDx Variant Classification Process June 2021. Collection method: clinical testing. Allele origin: germline. Affected: yes.
Comment: Not observed at significant frequency in large population cohorts (gnomAD); In silico analysis supports that this missense variant does not alter protein structure/function; Has not been previously published as pathogenic or benign to our knowledge